The following is an entry in ClinVar:

ClinVar aggregate classification (germline): Pathogenic (1 of 4 stars; one submission).

Conditions:
Cholestanol storage disease (CTX). Also called: Cerebrotendinous Xanthomatosis; CEREBRAL CHOLESTERINOSIS; CTX: Cerebrotendinous xanthomatosis. Identifiers: Orphanet 909, MedGen C0238052, MONDO:0008948, OMIM 213700.

Submission:

Labcorp Genetics (formerly Invitae), Labcorp
Classification: Pathogenic for Cholestanol storage disease. Last evaluated: 2023-06-04. Review status: criteria provided, single submitter. Criteria: Invitae Variant Classification Sherloc (09022015). Collection method: clinical testing. Allele origin: germline.
Comment: This sequence change creates a premature translational stop signal (p.Gln358Argfs*52) in the CYP27A1 gene. It is expected to result in an absent or disrupted protein product. Loss-of-function variants in CYP27A1 are known to be pathogenic (PMID: 9392430, 10775536, 26937392). This variant is not present in population databases (gnomAD no frequency). This variant has not been reported in the literature in individuals affected with CYP27A1-related conditions. For these reasons, this variant has been classified as Pathogenic.

Literature cited by the submitters: PubMed 9392430; PubMed 10775536; PubMed 26937392.

NM_000784.4(CYP27A1):c.1068_1072dup (p.Gln358fs)

Gene: CYP27A1 (cytochrome P450 family 27 subfamily A member 1; plus strand). Cytogenetic location: 2q35.
Variant type: Duplication.
Coding change: c.1068_1072dup on transcript NM_000784.4 (MANE Select); coding-DNA positions 1068 to 1072, 5 bases duplicated (GATCC; older notation c.1068_1072dupGATCC).
Protein change: p.Gln358fs; shifts the reading frame from glutamine 358.
Molecular consequence: frameshift variant.
Genome position (GRCh38, 1-based): chr2:218,814,071-218,814,075, GATCC duplicated. VCF-style (leftmost placement, unchanged base first): chr2-218814070-A-AGATCC. GRCh37 (hg19) VCF-style: chr2-219678793-A-AGATCC.
Other names: short protein forms Q358fs.
Identifiers: ClinVar variation 3002793 (VCV003002793.3), dbSNP rs2470229009, ClinGen allele CA2740096457.